The following is an entry in ClinVar:

NM_021961.6(TEAD1):c.740A>G (p.His247Arg)

Gene: TEAD1 (TEA domain transcription factor 1; plus strand). Cytogenetic location: 11p15.3.
Variant type: single nucleotide variant.
Coding change: c.740A>G on transcript NM_021961.6 (MANE Select); coding-DNA position 740, A replaced by G.
Protein change: p.His247Arg; replaces histidine 247 with arginine.
Molecular consequence: missense variant.
Genome position (GRCh38, 1-based): chr11:12,901,980, A>G. VCF-style: chr11-12901980-A-G. GRCh37 (hg19) VCF-style: chr11-12923527-A-G.
Other names: short protein forms H247R.
Identifiers: ClinVar variation 1480967 (VCV001480967.6), dbSNP rs369032801, ClinGen allele CA5891734.

ClinVar aggregate classification (germline): Uncertain significance (1 of 4 stars; one submission).

Allele frequency attached by ClinVar (database versions not stated): ExAC 0.00001; gnomAD 0.00001; gnomAD exomes 0.00001 and 0.00002; TOPMed 0.00001; ESP Exome Variant Server 0.00008.
gnomAD v4.1: 36 of 1,614,122 alleles (0.0022%); highest among the groups gnomAD compares: Non-Finnish European, 0.0031%; no homozygotes.

Submission:

Labcorp Genetics (formerly Invitae), Labcorp
Classification: Uncertain significance. Last evaluated: 2025-11-10. Review status: criteria provided, single submitter. Criteria: Invitae Variant Classification Sherloc (09022015). Collection method: clinical testing. Allele origin: germline.
Comment: This sequence change replaces histidine, which is basic and polar, with arginine, which is basic and polar, at codon 247 of the TEAD1 protein (p.His247Arg). This variant is present in population databases (rs369032801, gnomAD 0.003%). This missense change has been observed in individual(s) with TEAD1-related conditions (PMID: 32483926). ClinVar contains an entry for this variant (Variation ID: 1480967). Invitae Evidence Modeling of protein sequence and biophysical properties (such as structural, functional, and spatial information, amino acid conservation, physicochemical variation, residue mobility, and thermodynamic stability) indicates that this missense variant is not expected to disrupt TEAD1 protein function with a negative predictive value of 80%. In summary, the available evidence is currently insufficient to determine the role of this variant in disease. Therefore, it has been classified as a Variant of Uncertain Significance.

Literature cited by the submitters: PubMed 32483926.